The following is an entry in ClinVar:

ClinVar aggregate classification (germline): Uncertain significance (1 of 4 stars; one submission).

Submission:

Greenwood Genetic Center Diagnostic Laboratories, Greenwood Genetic Center
Classification: Uncertain significance. Last evaluated: 2022-10-10. Review status: criteria provided, single submitter. Criteria: ACMG Guidelines, 2015. Collection method: clinical testing. Allele origin: germline. Affected: yes.
Comment: PM2, PP3

NM_005052.3(RAC3):c.466G>A (p.Glu156Lys)

Gene: RAC3 (Rac family small GTPase 3; plus strand). Cytogenetic location: 17q25.3.
Variant type: single nucleotide variant.
Coding change: c.466G>A on transcript NM_005052.3 (MANE Select); coding-DNA position 466, G replaced by A.
Protein change: p.Glu156Lys; replaces glutamic acid 156 with lysine.
Molecular consequence: missense variant.
Genome position (GRCh38, 1-based): chr17:82,033,716, G>A. VCF-style: chr17-82033716-G-A. GRCh37 (hg19) VCF-style: chr17-79991592-G-A.
Other names: c.470G>A, p.Gly157Glu (NM_001316307.2); short protein forms E156K, G157E.
Identifiers: ClinVar variation 2429057 (VCV002429057.4), dbSNP rs2510196852, ClinGen allele CA401554933.